The following is an entry in ClinVar:

NM_004064.5(CDKN1B):c.275dup (p.Arg93fs)

Gene: CDKN1B (cyclin dependent kinase inhibitor 1B; plus strand). Cytogenetic location: 12p13.1.
Variant type: Duplication.
Coding change: c.275dup on transcript NM_004064.5 (MANE Select); coding-DNA position 275, one base duplicated (C; older notation c.275dupC).
Protein change: p.Arg93fs; shifts the reading frame from arginine 93.
Molecular consequence: frameshift variant.
Genome position (GRCh38, 1-based): chr12:12,718,114, C duplicated; the last of 5 consecutive C bases (chr12:12,718,110-12,718,114); duplicating any one gives the same sequence. VCF-style (leftmost placement, unchanged base first): chr12-12718109-A-AC. GRCh37 (hg19) VCF-style: chr12-12871043-A-AC.
Other names: short protein forms R93fs.
Identifiers: ClinVar variation 3653147 (VCV003653147.2).

ClinVar aggregate classification (germline): Pathogenic (1 of 4 stars; one submission).

Conditions:
Multiple endocrine neoplasia type 4. Also called: MULTIPLE ENDOCRINE NEOPLASIA, TYPE IV. Identifiers: Orphanet 276152, MedGen C1970712, MONDO:0012552, OMIM 610755.

Submission:

Labcorp Genetics (formerly Invitae), Labcorp
Classification: Pathogenic for Multiple endocrine neoplasia type 4. Last evaluated: 2024-10-16. Review status: criteria provided, single submitter. Criteria: Invitae Variant Classification Sherloc (09022015). Collection method: clinical testing. Allele origin: germline.
Comment: This sequence change creates a premature translational stop signal (p.Arg93Alafs*32) in the CDKN1B gene. It is expected to result in an absent or disrupted protein product. Loss-of-function variants in CDKN1B are known to be pathogenic (PMID: 17030811, 24819502). This variant is not present in population databases (gnomAD no frequency). This variant has not been reported in the literature in individuals affected with CDKN1B-related conditions. For these reasons, this variant has been classified as Pathogenic.

Literature cited by the submitters: PubMed 17030811; PubMed 24819502.